The following is an entry in ClinVar:

NM_003239.5(TGFB3):c.517-3T>C

Gene: TGFB3 (transforming growth factor beta 3; minus strand). Cytogenetic location: 14q24.3.
Variant type: single nucleotide variant.
Coding change: c.517-3T>C on transcript NM_003239.5 (MANE Select); 3 bases into the intron before coding-DNA position 517, T replaced by C.
Molecular consequence: intron variant.
Genome position (GRCh38, 1-based): chr14:75,971,258, A>G on the plus strand (T>C on the coding strand, the complement: TGFB3 is on the minus strand). VCF-style: chr14-75971258-A-G. GRCh37 (hg19) VCF-style: chr14-76437601-A-G.
Other names: c.517-3T>C (NM_001329939.2, NM_001329938.2).
Identifiers: ClinVar variation 952041 (VCV000952041.10), dbSNP rs2035287934, ClinGen allele CA487190786.

ClinVar aggregate classification (germline): Uncertain significance (1 of 4 stars; one submission).

Conditions:
Rienhoff syndrome. Also called: LOEYS-DIETZ SYNDROME 5. Identifiers: MedGen C3810012, MONDO:0014262, OMIM 615582.

Submission:

Labcorp Genetics (formerly Invitae), Labcorp
Classification: Uncertain significance for Rienhoff syndrome. Last evaluated: 2019-08-17. Review status: criteria provided, single submitter. Criteria: Invitae Variant Classification Sherloc (09022015). Collection method: clinical testing. Allele origin: germline.
Comment: In summary, the available evidence is currently insufficient to determine the role of this variant in disease. Therefore, it has been classified as a Variant of Uncertain Significance. Nucleotide substitutions within the consensus splice site are a relatively common cause of aberrant splicing (PMID: 17576681, 9536098). Algorithms developed to predict the effect of sequence changes on RNA splicing suggest that this variant is not likely to affect RNA splicing, but this prediction has not been confirmed by published transcriptional studies. This variant has not been reported in the literature in individuals with TGFB3-related conditions. This variant is not present in population databases (ExAC no frequency). This sequence change falls in intron 2 of the TGFB3 gene. It does not directly change the encoded amino acid sequence of the TGFB3 protein, but it affects a nucleotide within the consensus splice site of the intron.

Literature cited by the submitters: PubMed 17576681; PubMed 9536098.